The following is an entry in ClinVar:

ClinVar aggregate classification (germline): Uncertain significance (1 of 4 stars; one submission).

Conditions:
Thrombocytopenia. Identifiers: MedGen C0040034, MeSH D013921, MONDO:0002049, HP:0001873.

Allele frequency attached by ClinVar (database versions not stated): ExAC 0.00008; ESP Exome Variant Server 0.00008; gnomAD 0.00010.
gnomAD v4.1: 392 of 1,613,834 alleles (0.024%); highest among the groups gnomAD compares: Non-Finnish European, 0.032%; no homozygotes.

Submission:

Genetics and Molecular Pathology, SA Pathology
Classification: Uncertain significance for Thrombocytopenia. Last evaluated: 2020-04-16. Review status: criteria provided, single submitter. Criteria: ACMG Guidelines, 2015. Collection method: clinical testing. Allele origin: germline. Affected: yes.
Comment: PM2 The PLCB2 c.1907-5T>G variant is a single nucleotide change from a thymine to a guanine in intron 18. Splice prediction algorithms suggest that the variant may reduce the strength of the adjacent splice acceptor site. The variant has not been described in the literature to date. The variant is in dbSNP (rs372130791) and has been reported in population databases (gnomAD 26/280502, 0 homozygotes) (PM2). The variant has not been reported in the ClinVar or HGMD disease databases.

NM_004573.3(PLCB2):c.1907-5T>G

Gene: PLCB2 (phospholipase C beta 2; minus strand). Cytogenetic location: 15q15.1.
Variant type: single nucleotide variant.
Coding change: c.1907-5T>G on transcript NM_004573.3 (MANE Select); 5 bases into the intron before coding-DNA position 1907, T replaced by G.
Molecular consequence: intron variant.
Genome position (GRCh38, 1-based): chr15:40,294,425, A>C on the plus strand (T>G on the coding strand, the complement: PLCB2 is on the minus strand). VCF-style: chr15-40294425-A-C. GRCh37 (hg19) VCF-style: chr15-40586626-A-C.
Other names: c.1895-5T>G (NM_001284297.2); c.1907-5T>G (NM_001284298.2).
Identifiers: ClinVar variation 2664759 (VCV002664759.1), dbSNP rs372130791, ClinGen allele CA7477617.